The following is an entry in ClinVar:

NM_001739.2(CA5A):c.917A>G (p.Ter306Trp)

Gene: CA5A (carbonic anhydrase 5A; minus strand). Cytogenetic location: 16q24.2.
Variant type: single nucleotide variant.
Coding change: c.917A>G on transcript NM_001739.2 (MANE Select); coding-DNA position 917, A replaced by G.
Protein change: p.Ter306Trp.
Molecular consequence: stop lost. On other transcripts: non-coding transcript variant (2), intron variant (1).
Genome position (GRCh38, 1-based): chr16:87,888,130, T>C on the plus strand (A>G on the coding strand, the complement: CA5A is on the minus strand). VCF-style: chr16-87888130-T-C. GRCh37 (hg19) VCF-style: chr16-87921736-T-C.
Other names: c.774+3669A>G (NM_001367225.1).
Identifiers: ClinVar variation 2173909 (VCV002173909.3), dbSNP rs1377636661, ClinGen allele CA397038827.

ClinVar aggregate classification (germline): Uncertain significance (1 of 4 stars; one submission).

Conditions:
Hyperammonemic encephalopathy due to carbonic anhydrase VA deficiency. Also called: Carbonic anhydrase VA deficiency, hyperammonemia due to; Carbonic Anhydrase VA Deficiency. Identifiers: Orphanet 401948, MedGen C4706871, MONDO:0014332, OMIM 615751.

Allele frequency attached by ClinVar (database versions not stated): gnomAD exomes below 0.00001; gnomAD 0.00003.
gnomAD v4.1: 14 of 1,611,364 alleles (0.00087%); highest among the groups gnomAD compares: African/African-American, 0.011%; no homozygotes.

Submission:

Labcorp Genetics (formerly Invitae), Labcorp
Classification: Uncertain significance for Hyperammonemic encephalopathy due to carbonic anhydrase VA deficiency. Last evaluated: 2025-01-20. Review status: criteria provided, single submitter. Criteria: Invitae Variant Classification Sherloc (09022015). Collection method: clinical testing. Allele origin: germline.
Comment: This sequence change disrupts the translational stop signal of the CA5A mRNA. It is expected to extend the length of the CA5A protein by 3 additional amino acid residues. The frequency data for this variant in the population databases is considered unreliable, as metrics indicate poor data quality at this position in the gnomAD database. This variant has not been reported in the literature in individuals affected with CA5A-related conditions. ClinVar contains an entry for this variant (Variation ID: 2173909). Experimental studies and prediction algorithms are not available or were not evaluated, and the functional significance of this variant is currently unknown. In summary, the available evidence is currently insufficient to determine the role of this variant in disease. Therefore, it has been classified as a Variant of Uncertain Significance.